The following is an entry in ClinVar:

NM_007055.4(POLR3A):c.1360C>T (p.Leu454Phe)

Gene: POLR3A (RNA polymerase III subunit A; minus strand). Cytogenetic location: 10q22.3.
Variant type: single nucleotide variant.
Coding change: c.1360C>T on transcript NM_007055.4 (MANE Select); coding-DNA position 1360, C replaced by T.
Protein change: p.Leu454Phe; replaces leucine 454 with phenylalanine.
Molecular consequence: missense variant.
Genome position (GRCh38, 1-based): chr10:78,017,646, G>A on the plus strand (C>T on the coding strand, the complement: POLR3A is on the minus strand). VCF-style: chr10-78017646-G-A. GRCh37 (hg19) VCF-style: chr10-79777404-G-A.
Other names: short protein forms L454F.
Identifiers: ClinVar variation 2501891 (VCV002501891.2), dbSNP rs368681602, ClinGen allele CA377343080.

ClinVar aggregate classification (germline): Uncertain significance (1 of 4 stars; one submission).

Allele frequency attached by ClinVar (database versions not stated): gnomAD exomes below 0.00001.
gnomAD v4.1: 4 of 1,613,950 alleles (0.00025%); highest among the groups gnomAD compares: East Asian, 0.0022%; no homozygotes.

Submission:

GeneDx
Classification: Uncertain significance. Last evaluated: 2024-02-13. Review status: criteria provided, single submitter. Criteria: GeneDx Variant Classification Process June 2021. Collection method: clinical testing. Allele origin: germline.
Comment: Observed with a second variant in POLR3A in a patient with spasticity, ataxia, cognitive deficits, and hyperintensity of the superior cerebellar peduncles on MRI; however, segregation information was not provided (PMID: 28459997); Not observed at significant frequency in large population cohorts (gnomAD); In silico analysis supports that this missense variant has a deleterious effect on protein structure/function; This variant is associated with the following publications: (PMID: 28459997)